The following is an entry in ClinVar:

ClinVar aggregate classification (germline): Pathogenic/Likely pathogenic. Review status: criteria provided, multiple submitters, no conflicts (2 of 4 stars). 3 submissions from 3 submitters: Pathogenic (2); Likely pathogenic (1). Last evaluated 2024-03-05.

Conditions:
Microcephaly, normal intelligence and immunodeficiency (NBS). Also called: BERLIN BREAKAGE SYNDROME; Immunodeficiency, microcephaly with normal intelligence; IMMUNODEFICIENCY, MICROCEPHALY, AND CHROMOSOMAL INSTABILITY; SEEMANOVA SYNDROME II; Ataxia telangiectasia variant V1; Nijmegen breakage syndrome. Identifiers: Orphanet 647, MedGen C0398791, MONDO:0009623, OMIM 251260.
Aplastic anemia. Identifiers: Orphanet 182040, Orphanet 88, MedGen C0002874, MONDO:0015909, OMIM 609135, HP:0001915.
Acute lymphoid leukemia (ALL). Also called: Lymphoblastic leukemia; Acute lymphoblastic leukemia; Acute lymphocytic leukemia; Leukemia, acute lymphoblastic, somatic. Identifiers: Orphanet 513, MedGen C0023449, MONDO:0004967, OMIM 613065, HP:0006721.
Hereditary cancer-predisposing syndrome. Also called: Hereditary Cancer Syndrome; Hereditary neoplastic syndrome; Tumor predisposition; Neoplastic Syndromes, Hereditary. Identifiers: Orphanet 140162, MedGen C0027672, MeSH D009386, MONDO:0015356.

Submissions (3):

Fulgent Genetics
Classification: Likely pathogenic for Microcephaly, normal intelligence and immunodeficiency; Aplastic anemia; Acute lymphoid leukemia. Last evaluated: 2024-03-05. Review status: criteria provided, single submitter. Criteria: ACMG Guidelines, 2015. Collection method: clinical testing. Allele origin: germline.

Labcorp Genetics (formerly Invitae), Labcorp
Classification: Pathogenic for Microcephaly, normal intelligence and immunodeficiency. Last evaluated: 2023-06-27. Review status: criteria provided, single submitter. Criteria: Invitae Variant Classification Sherloc (09022015). Collection method: clinical testing. Allele origin: germline.
Comment: This variant is not present in population databases (gnomAD no frequency). For these reasons, this variant has been classified as Pathogenic. ClinVar contains an entry for this variant (Variation ID: 1454384). This variant has not been reported in the literature in individuals affected with NBN-related conditions. This sequence change creates a premature translational stop signal (p.Glu390*) in the NBN gene. It is expected to result in an absent or disrupted protein product. Loss-of-function variants in NBN are known to be pathogenic (PMID: 9590180, 16415040).

Ambry Genetics
Classification: Pathogenic for Hereditary cancer-predisposing syndrome. Last evaluated: 2023-05-15. Review status: criteria provided, single submitter. Criteria: Ambry Variant Classification Scheme 2023. Collection method: clinical testing. Allele origin: germline.
Comment: The p.E390* pathogenic mutation (also known as c.1168G>T), located in coding exon 10 of the NBN gene, results from a G to T substitution at nucleotide position 1168. This changes the amino acid from a glutamic acid to a stop codon within coding exon 10. This alteration is expected to result in loss of function by premature protein truncation or nonsense-mediated mRNA decay. As such, this alteration is interpreted as a disease-causing mutation.

Literature cited by the submitters: PubMed 9590180 (cited by Labcorp Genetics (formerly Invitae), Labcorp); PubMed 16415040 (cited by Labcorp Genetics (formerly Invitae), Labcorp).

NM_002485.5(NBN):c.1168G>T (p.Glu390Ter)

Gene: NBN (nibrin; minus strand). Cytogenetic location: 8q21.3.
Variant type: single nucleotide variant.
Coding change: c.1168G>T on transcript NM_002485.5 (MANE Select); coding-DNA position 1168, G replaced by T.
Protein change: p.Glu390Ter; replaces glutamic acid 390 with a stop codon.
Molecular consequence: nonsense.
Genome position (GRCh38, 1-based): chr8:89,955,512, C>A on the plus strand (G>T on the coding strand, the complement: NBN is on the minus strand). VCF-style: chr8-89955512-C-A. GRCh37 (hg19) VCF-style: chr8-90967740-C-A.
Other names: c.1168G>T (NM_002485.4); c.922G>T, p.Glu308Ter (NM_001024688.3); short protein forms E308*, E390*.
Identifiers: ClinVar variation 1454384 (VCV001454384.8), dbSNP rs2129721628, ClinGen allele CA371656443.